The following is an entry in ClinVar:

NM_001130987.2(DYSF):c.1225C>T (p.Arg409Ter)

Gene: DYSF (dysferlin; plus strand). Cytogenetic location: 2p13.2.
Variant type: single nucleotide variant.
Coding change: c.1225C>T on transcript NM_001130987.2 (MANE Select); coding-DNA position 1225, C replaced by T.
Protein change: p.Arg409Ter; replaces arginine 409 with a stop codon.
Molecular consequence: nonsense.
Genome position (GRCh38, 1-based): chr2:71,526,295, C>T. VCF-style: chr2-71526295-C-T. GRCh37 (hg19) VCF-style: chr2-71753425-C-T.
Other names: NM_001130987.2(DYSF):c.1225C>T; p.Arg409Ter; c.1132C>T, p.Arg378Ter (NM_001130455.2, NM_001130983.2, NM_001130984.2 and 1 more transcripts); c.1129C>T, p.Arg377Ter (NM_001130976.2, NM_001130977.2, NM_001130978.2 and 1 more transcripts); c.1222C>T, p.Arg408Ter (NM_001130979.2, NM_001130980.2, NM_001130981.2); c.1225C>T, p.Arg409Ter (NM_001130982.2, NM_001130985.2); short protein forms R377*, R409*, R378*, R408*.
Identifiers: ClinVar variation 265487 (VCV000265487.26), dbSNP rs758180890, ClinGen allele CA1705654.

ClinVar aggregate classification (germline): Pathogenic. Review status: reviewed by expert panel (3 of 4 stars). 11 submissions from 11 submitters: Pathogenic (1). 10 of the submissions do not count toward it. Last evaluated 2026-05-01.

Conditions:
DYSF-related disorder. Also called: DYSF-related condition; DYSF-related disorders.
Autosomal recessive limb-girdle muscular dystrophy type 2B (LGMDR2). Also called: Limb-Girdle Muscular Dystrophy Type 2B (LGMD2B); MUSCULAR DYSTROPHY, LIMB-GIRDLE, AUTOSOMAL RECESSIVE 2; MUSCULAR DYSTROPHY, LIMB-GIRDLE, TYPE 3; Limb-girdle muscular dystrophy, type 2B. Identifiers: Orphanet 268, MedGen C1850889, MONDO:0009676, OMIM 253601.
Miyoshi muscular dystrophy 1 (MMD1). Identifiers: Orphanet 45448, MedGen C4551973, MONDO:0024545, OMIM 254130.
Distal myopathy with anterior tibial onset. Identifiers: Orphanet 178400, MedGen C1847532, MONDO:0011721, OMIM 606768.
Autosomal recessive limb-girdle muscular dystrophy. Identifiers: Orphanet 102015, MedGen C2931907, MONDO:0015152.
Neuromuscular disease caused by qualitative or quantitative defects of dysferlin. Also called: Dysferlinopathy; Qualitative or quantitative defects of dysferlin. Identifiers: Orphanet 207073, MedGen C2931687, MONDO:0016145.

Allele frequency attached by ClinVar (database versions not stated): gnomAD 0.00001; TOPMed 0.00001.

Submissions (11):

ClinGen Limb Girdle Muscular Dystrophy Variant Curation Expert Panel, ClinGen
Classification: Pathogenic for Autosomal recessive limb-girdle muscular dystrophy. Last evaluated: 2026-05-01. Review status: reviewed by expert panel. Criteria: ClinGen LGMD VCEP ACMG Specifications DYSF V2.0.0. Collection method: curation. Allele origin: germline. Inheritance: Autosomal recessive inheritance.
Comment: The NM_003494.4: c.1129C>T p.(Arg377Ter) variant in DYSF, which is also known as NM_001130987.2: c.1225C>T p.(Arg409Ter), is a nonsense variant that introduces a premature stop codon in exon 12/55, leading to nonsense mediated decay in a gene in which loss of function is an established disease mechanism (PVS1). This variant has been reported in at least three unrelated individuals with LGMD (PMID: 33250842, 22297152; ClinVar SCV004292580.2 internal data communication), including in unconfirmed phase with a presumed diagnostic variant in two patients and in a homozygous state in one patient with possible familial consanguinity (0.25 pts, PMID: 33250842). At least one patient homozygous for this variant showed both progressive proximal muscle weakness and absent dysferlin expression in skeletal muscle, which is highly specific for DYSF-associated LGMD (PMID: 33250842; PP4_Strong). The upper bound of the 95% confidence interval of the Grpmax variant allele frequency is 0.00017529 in gnomAD v4.1.0 (5/60010 Admixed American alleles), which is greater than the threshold for PM2_Supporting (criterion not met). In summary, this variant meets the criteria to be classified as Pathogenic for autosomal recessive limb girdle muscular dystrophy based on the ACMG/AMP criteria applied, as specified by the LGMD VCEP (specifications v2.0.0; 05/01/2026): PVS1, PP4_Strong.

3billion
Classification: Pathogenic for DYSF-related disorder. Last evaluated: 2025-11-24. Review status: criteria provided, single submitter. Criteria: ACMG Guidelines, 2015. Collection method: clinical testing. Allele origin: germline. Affected: yes. Not counted in ClinVar's aggregate classification.
Comment: The variant is observed at an extremely low frequency in the gnomAD v4.1.0 dataset (total allele frequency: <0.001%). Predicted Consequence/Location: Stop-gained (nonsense): predicted to result in a loss or disruption of normal protein function through nonsense-mediated decay (NMD) or protein truncation. Multiple pathogenic variants are reported downstream of the variant. The variant has been reported at least twice as pathogenic with clinical assertions and evidence for the classification (ClinVar ID: VCV000265487 /PMID: 22297152 /3billion dataset). Therefore, this variant is classified as Pathogenic according to the recommendation of ACMG/AMP guideline.

Labcorp Genetics (formerly Invitae), Labcorp
Classification: Pathogenic for Neuromuscular disease caused by qualitative or quantitative defects of dysferlin. Last evaluated: 2025-07-19. Review status: criteria provided, single submitter. Criteria: Invitae Variant Classification Sherloc (09022015). Collection method: clinical testing. Allele origin: germline. Not counted in ClinVar's aggregate classification.
Comment: This sequence change creates a premature translational stop signal (p.Arg377*) in the DYSF gene. It is expected to result in an absent or disrupted protein product. Loss-of-function variants in DYSF are known to be pathogenic (PMID: 17698709, 20301480). This variant is present in population databases (rs758180890, gnomAD 0.01%). This premature translational stop signal has been observed in individual(s) with a DYSF-related condition (PMID: 22297152). ClinVar contains an entry for this variant (Variation ID: 265487). For these reasons, this variant has been classified as Pathogenic.

Natera, Inc.
Classification: Pathogenic for Limb-girdle muscular dystrophy type 2B. Last evaluated: 2025-03-31. Review status: criteria provided, single submitter. Criteria: Natera Variant Classification Schema (03/2026). Collection method: clinical testing. Allele origin: germline. Not counted in ClinVar's aggregate classification.
Comment: The c.1129C>T variant in DYSF is a nonsense variant predicted to introduce a stop codon at amino acid 377. This variant is expected to result in nonsense mediated decay, truncation, or a dysfunctional protein product. This variant is rare in the general population with a frequency below the threshold expected for the associated phenotype(s). This variant has been observed in one or more individuals affected with the associated recessive disease, as either homozygous or compound heterozygous with a second variant (PMID: 33250842). Given the available evidence, this variant is classified as Pathogenic.

Baylor Genetics
Classification: Pathogenic for Miyoshi muscular dystrophy 1. Last evaluated: 2024-03-06. Review status: criteria provided, single submitter. Criteria: ACMG Guidelines, 2015. Collection method: clinical testing. Allele origin: unknown. Not counted in ClinVar's aggregate classification.

Women's Health and Genetics/Laboratory Corporation of America, LabCorp
Classification: Pathogenic for Autosomal recessive limb-girdle muscular dystrophy. Last evaluated: 2024-02-20. Review status: criteria provided, single submitter. Criteria: LabCorp Variant Classification Summary - May 2015. Collection method: clinical testing. Allele origin: germline. Not counted in ClinVar's aggregate classification.
Comment: Variant summary: DYSF c.1129C>T (p.Arg377X) results in a premature termination codon, predicted to cause a truncation of the encoded protein or absence of the protein due to nonsense mediated decay, which are commonly known mechanisms for disease. The variant allele was found at a frequency of 2.4e-05 in 251406 control chromosomes. c.1129C>T has been reported in the literature in at least one compound heterozygous individual affected with Miyoshi myopathy (e.g. Park_2012). To our knowledge, no experimental evidence demonstrating an impact on protein function has been reported. The following publication has been ascertained in the context of this evaluation (PMID: 22297152). ClinVar contains an entry for this variant (Variation ID: 265487). Based on the evidence outlined above, the variant was classified as pathogenic.

Revvity Omics, Revvity
Classification: Pathogenic. Last evaluated: 2023-07-17. Review status: criteria provided, single submitter. Criteria: ACMG Guidelines, 2015. Collection method: clinical testing. Allele origin: germline. Not counted in ClinVar's aggregate classification.

Fulgent Genetics
Classification: Pathogenic for Autosomal recessive limb-girdle muscular dystrophy type 2B; Miyoshi muscular dystrophy 1; Distal myopathy with anterior tibial onset. Last evaluated: 2018-10-31. Review status: criteria provided, single submitter. Criteria: ACMG Guidelines, 2015. Collection method: clinical testing. Allele origin: unknown. Not counted in ClinVar's aggregate classification.

GeneDx
Classification: Likely pathogenic. Last evaluated: 2018-05-21. Review status: criteria provided, single submitter. Criteria: GeneDx Variant Classification (06012015). Collection method: clinical testing. Allele origin: germline. Affected: yes. Not counted in ClinVar's aggregate classification.
Comment: The R377X variant in the DYSF gene has been reported previously in the presence of a second nonsense variant in the DYSF gene, in an individual with Miyoshi myopathy, characterized by running, stair-climbing, and standing difficulties, gait disturbances, muscle atrophy, elevated CK, dystrophic changes on muscle biopsy, and decreased/absent dysferlin expression in skeletal muscle (Park et al., 2012). The R377X is predicted to cause loss of normal protein function either through protein truncation or nonsense-mediated mRNA decay. This variant is observed in 4/34,420 (0.0116%) alleles from individuals of Latino background, and in 7/277,136 total alleles in large population cohorts (Lek et al., 2016). We interpret R377X as a likely pathogenic variant.

Eurofins Ntd Llc (ga)
Classification: Pathogenic. Last evaluated: 2015-12-08. Review status: criteria provided, single submitter. Criteria: EGL Classification Definitions 2015. Collection method: clinical testing. Allele origin: germline. Observed: 3 variant alleles, 2 heterozygotes, 1 homozygote. Not counted in ClinVar's aggregate classification.

Juno Genomics, Hangzhou Juno Genomics, Inc
Classification: Pathogenic for Miyoshi muscular dystrophy 1; Autosomal recessive limb-girdle muscular dystrophy type 2B; Distal myopathy with anterior tibial onset. Review status: criteria provided, single submitter. Criteria: ACMG Guidelines, 2015. Collection method: clinical testing. Allele origin: germline. Not counted in ClinVar's aggregate classification.
Comment: Absent from controls (or at extremely low frequency if recessive) in Genome Aggregation Database.;Null variant in a gene where loss of function (LOF) is a known mechanism of disease.;For recessive disorders, detected in trans with a pathogenic variant.

Literature cited by the submitters: PubMed 22297152 (cited by 3 submitters); PubMed 17698709 (cited by Labcorp Genetics (formerly Invitae), Labcorp); PubMed 20301480 (cited by Labcorp Genetics (formerly Invitae), Labcorp); PubMed 33250842 (cited by Natera, Inc.).